The following is an entry in ClinVar:

NM_001048174.2(MUTYH):c.455A>G (p.Tyr152Cys)

Gene: MUTYH (mutY DNA glycosylase; minus strand). Cytogenetic location: 1p34.1.
Variant type: single nucleotide variant.
Coding change: c.455A>G on transcript NM_001048174.2 (MANE Select); coding-DNA position 455, A replaced by G.
Protein change: p.Tyr152Cys; replaces tyrosine 152 with cysteine.
Molecular consequence: missense variant. On other transcripts: non-coding transcript variant (2).
Genome position (GRCh38, 1-based): chr1:45,332,800, T>C on the plus strand (A>G on the coding strand, the complement: MUTYH is on the minus strand). VCF-style: chr1-45332800-T-C. GRCh37 (hg19) VCF-style: chr1-45798472-T-C.
Other names: c.455A>G, p.Tyr152Cys (NM_001048171.2, NM_001048173.2, NM_001293195.2); c.458A>G, p.Tyr153Cys (NM_001048172.2); c.539A>G, p.Tyr180Cys (NM_001128425.2); c.500A>G, p.Tyr167Cys (NM_001293190.2); c.488A>G, p.Tyr163Cys (NM_001293191.2); c.179A>G, p.Tyr60Cys (NM_001293192.2, NM_001293196.2); c.110A>G, p.Tyr37Cys (NM_001350650.2, NM_001350651.2); c.530A>G, p.Tyr177Cys (NM_012222.3); short protein forms Y180C, Y153C, Y167C, Y37C, Y163C, Y177C, Y60C, Y152C.
Identifiers: ClinVar variation 483914 (VCV000483914.6), dbSNP rs1553128929, ClinGen allele CA340135700.
Genomic context (GRCh38, chr1:45,332,800, plus strand): 5'-CTACCCTCCTGCCATCCCCTTACCTTCCGAGCTCCCTCCTGCAGCCGCCGGCCACGAGAA[T>C]AGTAGCCCAGGCCAGCCCAGAGTTGATTCACCTCCTGTGGGTAGGATCAGAGGTCAAAGA-3'
Protein context (NP_001041639.1, residues 142-162): VNQLWAGLGY[Tyr152Cys]SRGRRLQEGA

ClinVar aggregate classification (germline): Likely pathogenic (1 of 4 stars; one submission).

Conditions:
Hereditary cancer-predisposing syndrome. Also called: Neoplastic Syndromes, Hereditary; Tumor predisposition; Hereditary Cancer Syndrome; Hereditary neoplastic syndrome. Identifiers: Orphanet 140162, MedGen C0027672, MeSH D009386, MONDO:0015356.

Submission:

Ambry Genetics
Classification: Likely pathogenic for Hereditary cancer-predisposing syndrome. Last evaluated: 2025-08-15. Review status: criteria provided, single submitter. Criteria: Ambry Variant Classification Scheme 2023. Collection method: clinical testing. Allele origin: germline.
Comment: The p.Y180C variant (also known as c.539A>G), located in coding exon 7 of the MUTYH gene, results from an A to G substitution at nucleotide position 539. The tyrosine at codon 180 is replaced by cysteine, an amino acid with highly dissimilar properties. In a massively parallel cell-based functional assay testing 7,8-dihydro-8- oxoguanine:adenine (8OG:A) repair activity, a byproduct of oxidative damage, this variant was reported to be non-functional (Hemker SL et al. Am J Hum Genet. Published online July 29, 2025. DOI: 10.1016/j.ajhg.2025.07.005). This amino acid position is highly conserved in available vertebrate species. In addition, this alteration is predicted to be deleterious by in silico analysis. This variant is considered to be rare based on population cohorts in the Genome Aggregation Database (gnomAD). Based on the majority of available evidence to date, this variant is likely to be pathogenic.

Literature cited by the submitters: PubMed 40738107.